The following is an entry in ClinVar:

ClinVar aggregate classification (germline): Uncertain significance (1 of 4 stars; one submission).

Conditions:
Inborn genetic diseases. Identifiers: MedGen C0950123, MeSH D030342.

Submission:

Ambry Genetics
Classification: Uncertain significance for Inborn genetic diseases. Last evaluated: 2024-03-18. Review status: criteria provided, single submitter. Criteria: Ambry Variant Classification Scheme 2023. Collection method: clinical testing. Allele origin: germline.
Comment: The p.N306K variant (also known as c.918T>G), located in coding exon 7 of the BUB1B gene, results from a T to G substitution at nucleotide position 918. The asparagine at codon 306 is replaced by lysine, an amino acid with similar properties. This amino acid position is conserved. In addition, this alteration is predicted to be tolerated by in silico analysis. Based on the available evidence, the clinical significance of this alteration remains unclear.

NM_001211.6(BUB1B):c.918T>G (p.Asn306Lys)

Gene: BUB1B (BUB1 mitotic checkpoint serine/threonine kinase B; plus strand). Cytogenetic location: 15q15.1.
Variant type: single nucleotide variant.
Coding change: c.918T>G on transcript NM_001211.6 (MANE Select); coding-DNA position 918, T replaced by G.
Protein change: p.Asn306Lys; replaces asparagine 306 with lysine.
Molecular consequence: missense variant.
Genome position (GRCh38, 1-based): chr15:40,185,331, T>G. VCF-style: chr15-40185331-T-G. GRCh37 (hg19) VCF-style: chr15-40477532-T-G.
Other names: short protein forms N306K.
Identifiers: ClinVar variation 3262216 (VCV003262216.1).